The following is an entry in ClinVar:

ClinVar aggregate classification (germline): Pathogenic (0 of 4 stars; one submission).

Submission:

Department of Pathology and Laboratory Medicine, Sinai Health System
Classification: Pathogenic. Review status: no assertion criteria provided. Collection method: clinical testing. Allele origin: unknown. Affected: yes. Study: The Canadian Open Genetics Repository (COGR).
Comment: The APC p.Leu1423GlnfsX49 variant was identified in 1 of 174 proband chromosomes (frequency: 0.006) from an individual with familial adenomatous polyposis (FAP) (Papp 2016); however, control chromosomes were not evaluated in this study, thus the prevalence of this variant in the general population could not be determined. The variant was not identified in the following databases: dbSNP, ClinVar, Clinvitae, Cosmic, MutDB, LOVD 3.0, UMD-LSDB, or the Zhejiang Colon Cancer Database. The variant was not identified in the control databases: the 1000 Genomes Project, the NHLBI GO Exome Sequencing Project, the Exome Aggregation Consortium (August 8th 2016), or the Genome Aggregation Database (Feb 27, 2017). The c.4268_4271delTTCC variant is predicted to cause a frameshift, which alters the protein's amino acid sequence beginning at codon 1423 and leads to a premature stop codon at position 1471. This alteration is then predicted to result in a truncated or absent protein and loss of function. Loss of function variants of the APC gene are an established mechanism of disease in familial adenomatous polyposis and is the type of variant expected to cause the disorder. This variant occurs in the last exon of the gene and stop codon or nonsense mutations in this region may not be subjected to nonsense mediated RNA decay, although further study would be required to validate this hypothesis and it is currently not possible to determine whether or not this might influence the severity of the disorder. In summary, based on the above information this variant meets our laboratoryâ€šÃ„Ã´s criteria to be classified as pathogenic.

NM_000038.6(APC):c.4268_4271del (p.Leu1423fs)

Gene: APC (APC regulator of WNT signaling pathway; plus strand). Cytogenetic location: 5q22.2.
Variant type: Deletion.
Coding change: c.4268_4271del on transcript NM_000038.6 (MANE Select); coding-DNA positions 4268 to 4271, 4 bases deleted (TTCC; older notation c.4268_4271delTTCC).
Protein change: p.Leu1423fs; shifts the reading frame from leucine 1423.
Molecular consequence: frameshift variant.
Genome position (GRCh38, 1-based): chr5:112,839,862-112,839,865, TTCC deleted; deleting any 4 consecutive bases within chr5:112,839,861-112,839,865 gives the same sequence; the c. name uses the placement nearest the transcript's 3' end. VCF-style (leftmost placement, unchanged base first): chr5-112839860-TCTTC-T. GRCh37 (hg19) VCF-style: chr5-112175557-TCTTC-T.
Other names: c.4268_4271del, p.Leu1423fs (NM_001127510.3, NM_001354895.2); c.4214_4217del, p.Leu1405fs (NM_001127511.3); c.4322_4325del, p.Leu1441fs (NM_001354896.2); c.4298_4301del, p.Leu1433fs (NM_001354897.2); c.4193_4196del, p.Leu1398fs (NM_001354898.2); c.4184_4187del, p.Leu1395fs (NM_001354899.2); c.4145_4148del, p.Leu1382fs (NM_001354900.2); c.4091_4094del, p.Leu1364fs (NM_001354901.2); and 5 more; short protein forms L1140fs, L1263fs, L1297fs, L1322fs, L1332fs, L1364fs, L1382fs, L1395fs.
Identifiers: ClinVar variation 1049856 (VCV001049856.1), dbSNP rs2149910406, ClinGen allele CA1139532074.